The following is an entry in ClinVar:

ClinVar aggregate classification (germline): Uncertain significance. Review status: criteria provided, multiple submitters, no conflicts (2 of 4 stars). 2 submissions from 2 submitters: Uncertain significance (2). Last evaluated 2025-10-27.

Allele frequency attached by ClinVar (database versions not stated): ExAC 0.00001; gnomAD exomes 0.00001; gnomAD 0.00002; TOPMed 0.00003.

Submissions (2):

Labcorp Genetics (formerly Invitae), Labcorp
Classification: Uncertain significance. Last evaluated: 2025-10-27. Review status: criteria provided, single submitter. Criteria: Invitae Variant Classification Sherloc (09022015). Collection method: clinical testing. Allele origin: germline.
Comment: This sequence change replaces aspartic acid, which is acidic and polar, with asparagine, which is neutral and polar, at codon 515 of the MICAL1 protein (p.Asp515Asn). This variant is present in population databases (rs754807152, gnomAD 0.003%). This variant has not been reported in the literature in individuals affected with MICAL1-related conditions. ClinVar contains an entry for this variant (Variation ID: 2073753). An algorithm developed to predict the effect of missense changes on protein structure and function (PolyPhen-2) suggests that this variant is likely to be tolerated. In summary, the available evidence is currently insufficient to determine the role of this variant in disease. Therefore, it has been classified as a Variant of Uncertain Significance.

Ambry Genetics
Classification: Uncertain significance. Last evaluated: 2022-10-25. Review status: criteria provided, single submitter. Criteria: Ambry Variant Classification Scheme 2023. Collection method: clinical testing. Allele origin: germline.

NM_022765.4(MICAL1):c.1486G>A (p.Asp496Asn)

Gene: MICAL1 (microtubule associated monooxygenase, calponin and LIM domain containing 1; minus strand). Cytogenetic location: 6q21.
Variant type: single nucleotide variant.
Coding change: c.1486G>A on transcript NM_022765.4 (MANE Select); coding-DNA position 1486, G replaced by A.
Protein change: p.Asp496Asn; replaces aspartic acid 496 with asparagine.
Molecular consequence: missense variant.
Genome position (GRCh38, 1-based): chr6:109,449,430, C>T on the plus strand (G>A on the coding strand, the complement: MICAL1 is on the minus strand). VCF-style: chr6-109449430-C-T. GRCh37 (hg19) VCF-style: chr6-109770633-C-T.
Other names: c.1228G>A, p.Asp410Asn (NM_001159291.2); c.1543G>A, p.Asp515Asn (NM_001286613.2); short protein forms D410N, D496N, D515N.
Identifiers: ClinVar variation 2073753 (VCV002073753.5), dbSNP rs754807152, ClinGen allele CA3953377.
Genomic context (GRCh38, chr6:109,449,430, plus strand): 5'-GGTCACCCCTTGGGAGGAAGGCCTGCTCACCGGTGGCTGGCATCCCTGTATCTGTCTTGT[C>T]GTTGTTCCTCTGCACAGGCTCCTTGGCTAGCACATCATACAGGTCTCGTACCTAAGGCAG-3'
Protein context (NP_073602.3, residues 486-506): LAKEPVQRNN[Asp496Asn]KTDTGMPATG